The following is an entry in ClinVar:

ClinVar aggregate classification (germline): Conflicting classifications of pathogenicity. Review status: criteria provided, conflicting classifications (1 of 4 stars). 11 submissions from 11 submitters: Uncertain significance (1); Benign (5); Likely benign (3). 2 of the submissions do not count toward it. Last evaluated 2026-02-04.

Conditions:
GALC-related disorder. Also called: GALC-related condition.
Galactosylceramide beta-galactosidase deficiency. Also called: GLOBOID CELL LEUKOENCEPHALOPATHY; Leukodystrophy, Globoid Cell; Krabbe Disease; GALACTOCEREBROSIDASE DEFICIENCY; GALC DEFICIENCY. Identifiers: Orphanet 487, MedGen C0023521, MONDO:0009499, OMIM 245200.

Allele frequency attached by ClinVar (database versions not stated): 1000 Genomes Project 30x 0.00437; 1000 Genomes Project 0.00459; gnomAD 0.00449 and 0.00483; ESP Exome Variant Server 0.00505; TOPMed 0.00518; ExAC 0.00131.
gnomAD v4.1: 1,363 of 1,612,742 alleles (0.085%); highest among the groups gnomAD compares: African/African-American, 1.6%; 6 homozygotes.

Submissions (11):

Labcorp Genetics (formerly Invitae), Labcorp
Classification: Benign for Galactosylceramide beta-galactosidase deficiency. Last evaluated: 2026-02-04. Review status: criteria provided, single submitter. Criteria: Invitae Variant Classification Sherloc (09022015). Collection method: clinical testing. Allele origin: germline.

Blueprint Genetics
Classification: Likely benign. Last evaluated: 2024-11-01. Review status: criteria provided, single submitter. Criteria: ACMG Guidelines, 2015. Collection method: clinical testing. Allele origin: germline.

CeGaT Center for Human Genetics Tuebingen
Classification: Likely benign. Last evaluated: 2023-04-01. Review status: criteria provided, single submitter. Criteria: CeGaT Center For Human Genetics Tuebingen Variant Classification Criteria Version 2. Collection method: clinical testing. Allele origin: germline. Affected: yes. Observed: 1 variant allele.
Comment: GALC: BS1

GeneDx
Classification: Benign. Last evaluated: 2021-05-25. Review status: criteria provided, single submitter. Criteria: GeneDx Variant Classification Process June 2021. Collection method: clinical testing. Allele origin: germline. Affected: yes.
Comment: This variant is associated with the following publications: (PMID: 32019516, 27638593, 9338580, 21228398, 20981092, 22995991)

Mendelics
Classification: Benign for Galactosylceramide beta-galactosidase deficiency. Last evaluated: 2019-05-28. Review status: criteria provided, single submitter. Criteria: Mendelics Assertion Criteria 2017. Collection method: clinical testing. Allele origin: unknown.

SIB Swiss Institute of Bioinformatics
Classification: Uncertain significance for Galactosylceramide beta-galactosidase deficiency. Last evaluated: 2018-05-31. Review status: criteria provided, single submitter. Criteria: ACMG Guidelines, 2015. Collection method: curation. Allele origin: unknown.
Comment: This variant is interpreted as a Uncertain Significance - Conflicting Evidence, for Krabbe disease, in Autosomal Recessive manner. The following ACMG Tag(s) were applied: PP3 => Multiple lines of computational evidence support a deleterious effect on the gene or gene product. BS1 => Allele frequency is greater than expected for disorder. BS2-Supporting => BS2 downgraded in strength to supporting.

Center for Pediatric Genomic Medicine, Children's Mercy Hospital and Clinics
Classification: Likely benign. Last evaluated: 2016-11-30. Review status: criteria provided, single submitter. Criteria: ACMG Guidelines, 2015. Collection method: clinical testing. Allele origin: germline.
ClinVar note: Converted during submission from Likely Benign to Likely benign.

Mayo Clinic Laboratories, Mayo Clinic
Classification: Benign. Last evaluated: 2016-10-18. Review status: criteria provided, single submitter. Criteria: ACMG Guidelines, 2015. Collection method: clinical testing. Allele origin: germline. Observed: 3 variant alleles.

Eurofins Ntd Llc (ga)
Classification: Benign. Last evaluated: 2013-03-14. Review status: criteria provided, single submitter. Criteria: EGL Classification Definitions 2015. Collection method: clinical testing. Allele origin: germline. Observed: 1 variant allele, 1 heterozygote.

Natera, Inc.
Classification: Likely benign for Galactosylceramide beta-galactosidase deficiency. Last evaluated: 2019-10-31. Review status: no assertion criteria provided. Collection method: clinical testing. Allele origin: germline. Not counted in ClinVar's aggregate classification.

PreventionGenetics, part of Exact Sciences
Classification: Benign for GALC-related condition. Last evaluated: 2019-04-12. Review status: no assertion criteria provided. Collection method: clinical testing. Allele origin: germline. Not counted in ClinVar's aggregate classification.
Comment: This variant is classified as benign based on ACMG/AMP sequence variant interpretation guidelines (Richards et al. 2015 PMID: 25741868, with internal and published modifications).

NM_000153.4(GALC):c.1403C>G (p.Thr468Ser)

Gene: GALC (galactosylceramidase; minus strand). Cytogenetic location: 14q31.3.
Variant type: single nucleotide variant.
Coding change: c.1403C>G on transcript NM_000153.4 (MANE Select); coding-DNA position 1403, C replaced by G.
Protein change: p.Thr468Ser; replaces threonine 468 with serine.
Molecular consequence: missense variant.
Genome position (GRCh38, 1-based): chr14:87,947,814, G>C on the plus strand (C>G on the coding strand, the complement: GALC is on the minus strand). VCF-style: chr14-87947814-G-C. GRCh37 (hg19) VCF-style: chr14-88414158-G-C.
Other names: NM_000153.3(GALC):c.1403C>G(p.Thr468Ser); NM_001201401.1(GALC):c.1334C>G(p.Thr445Ser); NM_001201402.1(GALC):c.1325C>G(p.Thr442Ser); c.1334C>G, p.Thr445Ser (NM_001201401.2); c.1325C>G, p.Thr442Ser (NM_001201402.2); short protein forms T468S, T442S, T445S.
Identifiers: ClinVar variation 92495 (VCV000092495.91), dbSNP rs34134328, ClinGen allele CA145802.